The following is an entry in ClinVar:

NM_005655.4(KLF10):c.656A>G (p.Asp219Gly)

Gene: KLF10 (KLF transcription factor 10; minus strand). Cytogenetic location: 8q22.3.
Variant type: single nucleotide variant.
Coding change: c.656A>G on transcript NM_005655.4 (MANE Select); coding-DNA position 656, A replaced by G.
Protein change: p.Asp219Gly; replaces aspartic acid 219 with glycine.
Molecular consequence: missense variant.
Genome position (GRCh38, 1-based): chr8:102,651,676, T>C on the plus strand (A>G on the coding strand, the complement: KLF10 is on the minus strand). VCF-style: chr8-102651676-T-C. GRCh37 (hg19) VCF-style: chr8-103663904-T-C.
Other names: c.623A>G, p.Asp208Gly (NM_001032282.4); short protein forms D219G, D208G.
Identifiers: ClinVar variation 3637464 (VCV003637464.2).
Genomic context (GRCh38, chr8:102,651,676, plus strand): 5'-ACCGTCTCTGAGGAAGGCACAGAAAAGTCATAAAGTGCAGCACTTGCTTTCTCATCAACA[T>C]CTGCCACTGTGTTTCTCTCACATTTGGATCTGTTTGGTGACACAGCGGCACATGGTATGT-3'
Protein context (NP_005646.1, residues 209-229): RSKCERNTVA[Asp219Gly]VDEKASAALY

ClinVar aggregate classification (germline): Uncertain significance (1 of 4 stars; one submission).

Submission:

Labcorp Genetics (formerly Invitae), Labcorp
Classification: Uncertain significance. Last evaluated: 2024-05-31. Review status: criteria provided, single submitter. Criteria: Invitae Variant Classification Sherloc (09022015). Collection method: clinical testing. Allele origin: germline.
Comment: This sequence change replaces aspartic acid, which is acidic and polar, with glycine, which is neutral and non-polar, at codon 219 of the KLF10 protein (p.Asp219Gly). This variant is not present in population databases (gnomAD no frequency). This variant has not been reported in the literature in individuals affected with KLF10-related conditions. Algorithms developed to predict the effect of missense changes on protein structure and function output the following: SIFT: "Not Available"; PolyPhen-2: "Benign"; Align-GVGD: "Not Available". The glycine amino acid residue is found in multiple mammalian species, which suggests that this missense change does not adversely affect protein function. In summary, the available evidence is currently insufficient to determine the role of this variant in disease. Therefore, it has been classified as a Variant of Uncertain Significance.